The following is an entry in ClinVar:

NM_004187.5(KDM5C):c.1052TCT[1] (p.Phe352del)

Gene: KDM5C (lysine demethylase 5C; minus strand). Cytogenetic location: Xp11.22.
Variant type: Microsatellite.
Coding change: c.1052TCT[1] on transcript NM_004187.5 (MANE Select); one copy of the 3-base unit TCT starting at c.1052; the reference has two copies in a row; one copy, 3 bases deleted.
Protein change: p.Phe352del; deletes phenylalanine 352.
Molecular consequence: inframe deletion. On other transcripts: non-coding transcript variant (3).
Genome position (GRCh38, 1-based): chrX:53,214,754-53,214,756, AGA deleted on the plus strand (TCT on the coding strand, the reverse complement: KDM5C is on the minus strand); deleting any 3 consecutive bases within chrX:53,214,754-53,214,759 gives the same sequence; the position shown is the placement nearest the transcript's 3' end. VCF-style (leftmost placement, unchanged base first): chrX-53214753-CAGA-C. GRCh37 (hg19) VCF-style: chrX-53243935-CAGA-C.
Other names: c.851TCT[1], p.Phe285del (NM_001146702.2); c.1049TCT[1], p.Phe351del (NM_001282622.3, NM_001353979.2, NM_001353982.2); c.1052TCT[1], p.Phe352del (NM_001353978.3, NM_001353981.2, NM_001353984.2); short protein forms F285del, F351del, F352del.
Identifiers: ClinVar variation 1691742 (VCV001691742.3), dbSNP rs2146934487, ClinGen allele CA2580617055.
Genomic context (GRCh38, chrX:53,214,753, plus strand): 5'-ATGACACACTTTGGGCACCGCCAGACACCCTTGGGGATCTCAGGCAGAGGAGGCAGCAGG[CAGA>C]AGATGTGGTAGTTGTCATCACAGCCATCACACAGCAGGAGCTTGTCATCCTCATCCCCTC-3'

ClinVar aggregate classification (germline): Uncertain significance (1 of 4 stars; one submission).

Submission:

GeneDx
Classification: Uncertain significance. Last evaluated: 2022-08-29. Review status: criteria provided, single submitter. Criteria: GeneDx Variant Classification Process June 2021. Collection method: clinical testing. Allele origin: germline. Affected: yes.
Comment: Not observed at significant frequency in large population cohorts (gnomAD); In-frame deletion of 1 amino acids in a non-repeat region; In silico analysis supports a deleterious effect on protein structure/function; Has not been previously published as pathogenic or benign to our knowledge